The following is an entry in ClinVar:

ClinVar aggregate classification (germline): Uncertain significance (1 of 4 stars; one submission).

Submission:

Labcorp Genetics (formerly Invitae), Labcorp
Classification: Uncertain significance. Last evaluated: 2022-09-28. Review status: criteria provided, single submitter. Criteria: Invitae Variant Classification Sherloc (09022015). Collection method: clinical testing. Allele origin: germline.
Comment: In summary, the available evidence is currently insufficient to determine the role of this variant in disease. Therefore, it has been classified as a Variant of Uncertain Significance. Algorithms developed to predict the effect of missense changes on protein structure and function are either unavailable or do not agree on the potential impact of this missense change (SIFT: "Tolerated"; PolyPhen-2: "Possibly Damaging"; Align-GVGD: "Class C0"). This variant has not been reported in the literature in individuals affected with NAA15-related conditions. This variant is not present in population databases (gnomAD no frequency). This sequence change replaces isoleucine, which is neutral and non-polar, with serine, which is neutral and polar, at codon 424 of the NAA15 protein (p.Ile424Ser).

NM_057175.5(NAA15):c.1271T>G (p.Ile424Ser)

Gene: NAA15 (N-alpha-acetyltransferase 15, NatA auxiliary subunit; plus strand). Cytogenetic location: 4q31.1.
Variant type: single nucleotide variant.
Coding change: c.1271T>G on transcript NM_057175.5 (MANE Select); coding-DNA position 1271, T replaced by G.
Protein change: p.Ile424Ser; replaces isoleucine 424 with serine.
Molecular consequence: missense variant.
Genome position (GRCh38, 1-based): chr4:139,359,756, T>G. VCF-style: chr4-139359756-T-G. GRCh37 (hg19) VCF-style: chr4-140280910-T-G.
Other names: c.1271T>G, p.Ile424Ser (NM_001410842.1, NM_025085.2); short protein forms I424S.
Identifiers: ClinVar variation 1720590 (VCV001720590.5), dbSNP rs1382149919, ClinGen allele CA358267280.
Genomic context (GRCh38, chr4:139,359,756, plus strand): 5'-TAAACTTAGCATGCTAACTGGTTTATTTTGCTTTTGTACCTTATAAGCATGCTGGAAATA[T>G]TAAAGAAGCTGCAAGGTGGATGGATGAGGCCCAGGCCTTGGACACAGCAGACAGATTTAT-3'
Protein context (NP_476516.1, residues 414-434): KAKIYKHAGN[Ile424Ser]KEAARWMDEA